The following is an entry in ClinVar:

ClinVar aggregate classification (germline): Uncertain significance (1 of 4 stars; one submission).

Conditions:
Epileptic encephalopathy. Identifiers: MedGen C0543888, HP:0200134.

Allele frequency attached by ClinVar (database versions not stated): TOPMed 0.00001; gnomAD exomes below 0.00001; ExAC 0.00001.
gnomAD v4.1: 4 of 1,612,868 alleles (0.00025%); highest among the groups gnomAD compares: Non-Finnish European, 0.00025%; no homozygotes.

Submission:

Labcorp Genetics (formerly Invitae), Labcorp
Classification: Uncertain significance for Epileptic encephalopathy. Last evaluated: 2020-03-05. Review status: criteria provided, single submitter. Criteria: Invitae Variant Classification Sherloc (09022015). Collection method: clinical testing. Allele origin: germline.
Comment: In summary, the available evidence is currently insufficient to determine the role of this variant in disease. Therefore, it has been classified as a Variant of Uncertain Significance. Algorithms developed to predict the effect of sequence changes on RNA splicing suggest that this variant may create or strengthen a splice site, but this prediction has not been confirmed by published transcriptional studies. Algorithms developed to predict the effect of missense changes on protein structure and function (SIFT, PolyPhen-2, Align-GVGD) all suggest that this variant is likely to be disruptive, but these predictions have not been confirmed by published functional studies and their clinical significance is uncertain. This variant has not been reported in the literature in individuals with RYR3-related conditions. This variant is present in population databases (rs267604157, ExAC 0.007%). This sequence change replaces arginine with glutamine at codon 723 of the RYR3 protein (p.Arg723Gln). The arginine residue is highly conserved and there is a small physicochemical difference between arginine and glutamine.

NM_001036.6(RYR3):c.2168G>A (p.Arg723Gln)

Gene: RYR3 (ryanodine receptor 3; plus strand). Cytogenetic location: 15q14.
Variant type: single nucleotide variant.
Coding change: c.2168G>A on transcript NM_001036.6 (MANE Select); coding-DNA position 2168, G replaced by A.
Protein change: p.Arg723Gln; replaces arginine 723 with glutamine.
Molecular consequence: missense variant.
Genome position (GRCh38, 1-based): chr15:33,613,186, G>A. VCF-style: chr15-33613186-G-A. GRCh37 (hg19) VCF-style: chr15-33905387-G-A.
Other names: c.2168G>A, p.Arg723Gln (NM_001243996.4); short protein forms R723Q.
Identifiers: ClinVar variation 79733 (VCV000079733.9), dbSNP rs267604157, ClinGen allele CA7458349.